The following is an entry in ClinVar:

NM_000492.4(CFTR):c.509G>A (p.Arg170His)

Gene: CFTR (CF transmembrane conductance regulator; plus strand). Cytogenetic location: 7q31.2.
Variant type: single nucleotide variant.
Coding change: c.509G>A on transcript NM_000492.4 (MANE Select); coding-DNA position 509, G replaced by A.
Protein change: p.Arg170His; replaces arginine 170 with histidine.
Molecular consequence: missense variant.
Genome position (GRCh38, 1-based): chr7:117,534,295, G>A. VCF-style: chr7-117534295-G-A. GRCh37 (hg19) VCF-style: chr7-117174349-G-A.
Other names: short protein forms R170H.
Identifiers: ClinVar variation 53983 (VCV000053983.98), dbSNP rs1800079, ClinGen allele CA275301.

ClinVar aggregate classification (germline): Conflicting classifications of pathogenicity. Review status: criteria provided, conflicting classifications (1 of 4 stars). 26 submissions from 24 submitters: Pathogenic (2); Likely pathogenic (1); Uncertain significance (16); Likely benign (3). 4 of the submissions do not count toward it. Last evaluated 2026-05-18.

Conditions:
CFTR-related disorder (CFTR-RD). Also called: CFTR-related disorders; CFTR-related condition. Identifiers: MedGen C5924204, MONDO:7770004.
Chronic pancreatitis. Identifiers: MedGen C0149521, MONDO:0005003, HP:0006280.
Congenital bilateral aplasia of vas deferens from CFTR mutation (CBAVD). Identifiers: Orphanet 48, MedGen C0403814, MONDO:0010178, OMIM 277180. Disease mechanism: loss of function.
Cystic fibrosis (CF). Also called: MUCOVISCIDOSIS. Identifiers: Orphanet 586, MedGen C0010674, MONDO:0009061, OMIM 219700. Disease mechanism: loss of function.
Hereditary pancreatitis (PCTT). Also called: PRSS1-Related Hereditary Pancreatitis; Hereditary chronic pancreatitis. Identifiers: Orphanet 676, MedGen C0238339, MONDO:0008185, OMIM 167800.
Bronchiectasis with or without elevated sweat chloride 1 (BESC1). Also called: Cystic Fibrosis-Like Syndrome. Identifiers: Orphanet 60033, MedGen C2749757, MONDO:0008887, OMIM 211400.

Allele frequency attached by ClinVar (database versions not stated): gnomAD exomes 0.00050 and 0.00051; TOPMed 0.00050; gnomAD 0.00044 and 0.00045; ExAC 0.00048; ESP Exome Variant Server 0.00062.
gnomAD v4.1: 819 of 1,593,672 alleles (0.051%); highest among the groups gnomAD compares: Non-Finnish European, 0.046%; no homozygotes.

Submissions 1 to 5 of 26:

Women's Health and Genetics/Laboratory Corporation of America, LabCorp
Classification: Uncertain significance. Last evaluated: 2026-05-18. Review status: criteria provided, single submitter. Criteria: LabCorp Variant Classification Summary - May 2015. Collection method: clinical testing. Allele origin: germline.
Comment: Variant summary: CFTR c.509G>A (p.Arg170His) results in a non-conservative amino acid change in the encoded protein sequence. Algorithms developed to predict the effect of missense changes on protein structure and function all suggest that this variant is likely to be disruptive. At least 1 study suggests this variant results in a slightly higher than background level of exon skipping than wild type controls (Aissat_2013), however the biological significance of this finding could not be determined. The variant allele was found at a frequency of 0.00051 in 254598 control chromosomes, predominantly at a frequency of 0.0071 within the Ashkenazi-Jewish subpopulation in the gnomAD database. This frequency is not significantly higher than estimated for disease-causing variants in CFTR, allowing no conclusion about variant significance. c.509G>A, has been reported in the literature and locus specific database (UMD) in compound heterozygosity, in most cases with a CF-causing variant, in multiple CBAVD patients, who had no classic cystic fibrosis (CF) phenotype (Wei_2006, Taulan_2007, Steiner_2011, McGinniss_2005, Ratbi_2007) and in infants (also in combination with a CF-causing variant) who were undergoing newborn screening, and had no CF phenotype (Salinas_2016). The variant was also reported in a CF patient with another pathogenic variant (Combret_2021), however, in another CF-case a co-occurrence with a homozygous pathogenic variant has been reported (CFTR c.988G>T, p.Gly330Ter; in Lascano-Vaca_2020), providing supporting evidence for a non-causative role. In addition, the variant was reported in heterozygosity, i.e. without a second variant, in a few patients diagnosed with idiopathic chronic pancreatitis (ICP) (Bishop_2005, Steiner_2011) or cystic fibrosis (CF) (Alibakhshi_2008, Baker_2011, Krenkova_2012), but, it was also found in several controls (Bombieri_2000, Steiner_2011, Modiano_2005, Pompei_2006). These data indicate that the variant may be associated with CBAVD, but allow no conclusion about its association with classic CF. Publications also reported experimental evidence evaluating an impact on protein function. The most pronounced variant effect resulted in approximately (Gt channel conductance) 39% of normal chloride channel conductance relative to wild type (e.g., Bihler_2024). One study demonstrated that while the p.Arg170His protein had normal folding, glycosylation, chloride channel, bicarbonate permeability and bicarbonate conductance activities, it had impaired bicarbonate permeability in the setting of WNK1 and SPAK co-expression at low chloride ion levels (LaRusch_2014). Authors suggested that the selective bicarbonate defect in CFTR channel function might affect those organs that utilize CFTR for bicarbonate secretion (e.g. the pancreas, nasal sinus, vas deferens), causing associated symptoms (e.g. increased risk for pancreatitis, rhinosinusitis and male infertility), but not typical CF. Another publication assessed chloride channel function in vitro by evaluating CFTR mutants that were stably expressed in the genome of a human airway cell line devoid of endogenous CFTR, and found that cells expressing the variant protein had similar chloride channel function to the wild-type (Raraigh_2018). The following publications have been ascertained in the context of this evaluation (PMID: 23420618, 17662673, 21388895, 16244288, 16193325, 10746558, 33577586, 18685558, 20059485, 20021716, 18716917, 33922413, 29589582, 23276700, 25033378, 32143663, 33341408, 16189704, 15536480, 32387800, 16251901, 29805046, 17329263, 27214204, 21520337, 17448246, 16617247, 38388235, UMD database). ClinVar contains an entry for this variant (Variation ID: 53983). Based on the evidence outlined above, the variant was classified as uncertain significance.

PreventionGenetics, part of Exact Sciences
Classification: Uncertain significance for CFTR-related condition. Last evaluated: 2026-05-13. Review status: criteria provided, single submitter. Criteria: ACMG Guidelines, 2015. Collection method: clinical testing. Allele origin: germline.
Comment: The CFTR c.509G>A variant is predicted to result in the amino acid substitution p.Arg170His. This variant has been reported in association with cystic fibrosis (Alibakhshi et al. 2008. PubMed ID: 17662673; Baker et al. 2011. PubMed ID: 21388895; Křenková et al. 2013. PubMed ID: 23276700; Prontera et al. 2016. PubMed ID: 27728908) and CFTR-related disorders such as congenital bilateral absence of the vas deferens and/or chronic pancreatitis (McGinniss et al. 2005. PubMed ID: 16189704; Wei et al. 2006. PubMed ID: 16617247; Ratbi et al. 2007. PubMed ID: 17329263; Taulan et al. 2007. PubMed ID: 17448246; de Cid et al. 2010. PubMed ID: 19812525; Steiner et al. 2011. PubMed ID: 21520337; LaRusch et al. 2014. PubMed ID: 25033378; Palermo et al. 2016. PubMed ID: 27171515). However, this variant has also been reported in unaffected control subjects (Steiner et al. 2011. PubMed ID: 21520337) and patients carrying a second CF-causing variant with a benign clinical course, or features that were not consistent with a diagnosis of cystic fibrosis (Salinas et al. 2016. PubMed ID: 27214204). Functional studies indicate that the p.Arg170His variant reduces bicarbonate conductance in vitro, but does not impact protein folding, glycosylation, or chloride channel activities (LaRusch et al. 2014. PubMed ID: 25033378). This variant is reported in 0.72% of alleles in individuals of Ashkenazi Jewish descent in gnomAD. While it is possible that the c.509G>A (p.Arg170His) variant may contribute to CFTR-related disorders with incomplete penetrance, at this time we interpret it to be a variant of uncertain significance due to conflicting genetic and functional data.

Labcorp Genetics (formerly Invitae), Labcorp
Classification: Likely benign for Cystic fibrosis. Last evaluated: 2026-01-31. Review status: criteria provided, single submitter. Criteria: Invitae Variant Classification Sherloc (09022015). Collection method: clinical testing. Allele origin: germline.

Mayo Clinic Laboratories, Mayo Clinic
Classification: Uncertain significance. Last evaluated: 2025-11-14. Review status: criteria provided, single submitter. Criteria: ACMG Guidelines, 2015. Collection method: clinical testing. Allele origin: germline. Observed: 14 variant alleles.
Comment: PP3_moderate

GeneDx
Classification: Uncertain significance. Last evaluated: 2025-11-11. Review status: criteria provided, single submitter. Criteria: GeneDx Variant Classification Process June 2021. Collection method: clinical testing. Allele origin: germline. Affected: yes.
Comment: Classified as a non CF-causing variant in a well-curated database (CFTR2); Described as a bicarbonate defective allele in published functional studies: decrease of CFTR bicarbonate conductance and altered bicarbonate permeation of the CFTR channel while not affecting the chloride channel (PMID: 25033378, 29805046); Observed with a pathogenic CFTR variant, phase unknown, in published literature in individuals with cystic fibrosis and/or congenital absence of the vas deferens but also in unaffected individuals (PMID: 27728908, 27214204, 16189704, 21520337, 16617247, 17448246); Observed in published literature in individuals with pancreatitis (PMID: 21520337, 16189704, 25033378); In silico analysis suggests that this missense variant does not alter protein structure/function; This variant is associated with the following publications: (PMID: 27171515, 26847993, 28502372, 17329263, 28456595, 20021716, 29805046, 23276700, 27214204, 28194692, 27104957, 10746558, 16193325, 16244288, 17662673, 20059485, 21388895, 26708955, 27728908, 18716917, 29589582, 28465863, 15536480, 16251901, 26277102, 23420618, 25033378, 21520337, 16617247, 16189704, 17448246, 32143663, 34426522, 34525262, 34860163, 34405919, 34996830, 32508047, 35753512, 37000148, 38388235, 36264955, 38153325, 39233118, 38324470)